The following is an entry in ClinVar:

ClinVar aggregate classification (germline): Uncertain significance. Review status: criteria provided, multiple submitters, no conflicts (2 of 4 stars). 2 submissions from 2 submitters: Uncertain significance (2). Last evaluated 2026-03-20.

Conditions:
Hereditary cancer-predisposing syndrome. Also called: Tumor predisposition; Hereditary Cancer Syndrome; Hereditary neoplastic syndrome; Neoplastic Syndromes, Hereditary. Identifiers: Orphanet 140162, MedGen C0027672, MeSH D009386, MONDO:0015356.
Bloom syndrome (BLM). Also called: Bloom-Torre-Machacek syndrome. Identifiers: Orphanet 125, MedGen C0005859, MONDO:0008876, OMIM 210900.

Allele frequency attached by ClinVar (database versions not stated): gnomAD 0.00001.
gnomAD v4.1: 1 of 1,613,868 alleles (0.000062%); highest among the groups gnomAD compares: East Asian, 0.0022%; no homozygotes.

Submissions (2):

Ambry Genetics
Classification: Uncertain significance for Hereditary cancer-predisposing syndrome. Last evaluated: 2026-03-20. Review status: criteria provided, single submitter. Criteria: Ambry Variant Classification Scheme 2023. Collection method: clinical testing. Allele origin: germline.
Comment: The p.Q497H variant (also known as c.1491G>T), located in coding exon 6 of the BLM gene, results from a G to T substitution at nucleotide position 1491. The glutamine at codon 497 is replaced by histidine, an amino acid with highly similar properties. This amino acid position is conserved. In addition, this alteration is predicted to be tolerated by in silico analysis. Based on the available evidence, the clinical significance of this variant remains unclear.

Labcorp Genetics (formerly Invitae), Labcorp
Classification: Uncertain significance for Bloom syndrome. Last evaluated: 2024-01-26. Review status: criteria provided, single submitter. Criteria: Invitae Variant Classification Sherloc (09022015). Collection method: clinical testing. Allele origin: germline.
Comment: This sequence change replaces glutamine, which is neutral and polar, with histidine, which is basic and polar, at codon 497 of the BLM protein (p.Gln497His). This variant is not present in population databases (gnomAD no frequency). This variant has not been reported in the literature in individuals affected with BLM-related conditions. ClinVar contains an entry for this variant (Variation ID: 2197390). Advanced modeling of protein sequence and biophysical properties (such as structural, functional, and spatial information, amino acid conservation, physicochemical variation, residue mobility, and thermodynamic stability) performed at Invitae indicates that this missense variant is not expected to disrupt BLM protein function with a negative predictive value of 80%. In summary, the available evidence is currently insufficient to determine the role of this variant in disease. Therefore, it has been classified as a Variant of Uncertain Significance.

NM_000057.4(BLM):c.1491G>T (p.Gln497His)

Gene: BLM (BLM RecQ like helicase; plus strand). Cytogenetic location: 15q26.1.
Variant type: single nucleotide variant.
Coding change: c.1491G>T on transcript NM_000057.4 (MANE Select); coding-DNA position 1491, G replaced by T.
Protein change: p.Gln497His; replaces glutamine 497 with histidine.
Molecular consequence: missense variant.
Genome position (GRCh38, 1-based): chr15:90,760,864, G>T. VCF-style: chr15-90760864-G-T. GRCh37 (hg19) VCF-style: chr15-91304094-G-T.
Other names: c.1491G>T, p.Gln497His (NM_001287246.2, NM_001287247.2); c.366G>T, p.Gln122His (NM_001287248.2); short protein forms Q122H, Q497H.
Identifiers: ClinVar variation 2197390 (VCV002197390.5), dbSNP rs1895960735, ClinGen allele CA393843174.
Genomic context (GRCh38, chr15:90,760,864, plus strand): 5'-AGGATTCTCTGCCACCAGGAAGAATCTTTTTGAAAGGCCTTTATTCAATACCCATTTACA[G>T]AAGTCCTTTGTAAGTAGCAACTGGGCTGAAACACCAAGACTAGGAAAAAAAAATGAAAGC-3'
Protein context (NP_000048.1, residues 487-507): FERPLFNTHL[Gln497His]KSFVSSNWAE